The following is an entry in ClinVar:

ClinVar aggregate classification (germline): Benign/Likely benign. Review status: criteria provided, multiple submitters, no conflicts (2 of 4 stars). 3 submissions from 3 submitters: Benign (1); Likely benign (2). Last evaluated 2026-06-04.

Conditions:
Hereditary cancer-predisposing syndrome. Also called: Tumor predisposition; Hereditary Cancer Syndrome; Hereditary neoplastic syndrome; Neoplastic Syndromes, Hereditary. Identifiers: Orphanet 140162, MedGen C0027672, MeSH D009386, MONDO:0015356.
Gastrointestinal stromal tumor. Also called: Gastrointestinal stroma tumor; Gastrointestinal stromal tumor, somatic. Identifiers: Orphanet 44890, MedGen C0238198, MeSH D046152, MONDO:0011719, OMIM 606764, HP:0100723.

Allele frequency attached by ClinVar (database versions not stated): gnomAD exomes below 0.00001.
gnomAD v4.1: 1 of 1,613,590 alleles (0.000062%); highest among the groups gnomAD compares: Non-Finnish European, 0.000085%; no homozygotes.

Submissions (3):

Myriad Genetics, Inc.
Classification: Benign for Gastrointestinal stromal tumor. Last evaluated: 2026-06-04. Review status: criteria provided, single submitter. Criteria: Myriad Autosomal Dominant, Autosomal Recessive and X-Linked Classification Criteria (2023). Collection method: clinical testing. Allele origin: unknown.
Comment: This variant is considered benign. This variant is a silent/synonymous amino acid change and it is not expected to impact splicing.

Labcorp Genetics (formerly Invitae), Labcorp
Classification: Likely benign for Gastrointestinal stromal tumor. Last evaluated: 2025-12-08. Review status: criteria provided, single submitter. Criteria: Invitae Variant Classification Sherloc (09022015). Collection method: clinical testing. Allele origin: germline.

Ambry Genetics
Classification: Likely benign for Hereditary cancer-predisposing syndrome. Last evaluated: 2021-12-11. Review status: criteria provided, single submitter. Criteria: Ambry Variant Classification Scheme 2023. Collection method: clinical testing. Allele origin: germline.

NM_000222.3(KIT):c.2004C>T (p.Val668=)

Gene: KIT (KIT proto-oncogene, receptor tyrosine kinase; plus strand). Cytogenetic location: 4q12.
Variant type: single nucleotide variant.
Coding change: c.2004C>T on transcript NM_000222.3 (MANE Select); coding-DNA position 2004, C replaced by T.
Protein change: p.Val668=; no amino-acid change (valine 668 retained).
Molecular consequence: synonymous variant.
Genome position (GRCh38, 1-based): chr4:54,729,348, C>T. VCF-style: chr4-54729348-C-T. GRCh37 (hg19) VCF-style: chr4-55595514-C-T.
Other names: c.1992C>T, p.Val664= (NM_001093772.2, NM_001385286.1); c.2007C>T, p.Val669= (NM_001385284.1, NM_001385290.1); c.2004C>T, p.Val668= (NM_001385285.1); c.1995C>T, p.Val665= (NM_001385288.1, NM_001385292.1).
Identifiers: ClinVar variation 1150196 (VCV001150196.12), dbSNP rs527840468, ClinGen allele CA2923634.